The following is an entry in ClinVar:

ClinVar aggregate classification (germline): Conflicting classifications of pathogenicity. Review status: criteria provided, conflicting classifications (1 of 4 stars). 4 submissions from 4 submitters: Uncertain significance (3); Likely benign (1). Last evaluated 2025-08-23.

Conditions:
Diencephalic-mesencephalic junction dysplasia syndrome 1 (DMJDS1). Also called: Microcephaly with spastic quadriplegia. Identifiers: MedGen C4538630, MONDO:0009625, OMIM 251280.
Inborn genetic diseases. Identifiers: MedGen C0950123, MeSH D030342.

Allele frequency attached by ClinVar (database versions not stated): ExAC 0.00005; gnomAD exomes 0.00007; ESP Exome Variant Server 0.00008; gnomAD 0.00017; TOPMed 0.00019.
gnomAD v4.1: 126 of 1,614,054 alleles (0.0078%); highest among the groups gnomAD compares: African/African-American, 0.055%; no homozygotes.

Submissions (4):

Labcorp Genetics (formerly Invitae), Labcorp
Classification: Uncertain significance. Last evaluated: 2025-08-23. Review status: criteria provided, single submitter. Criteria: Invitae Variant Classification Sherloc (09022015). Collection method: clinical testing. Allele origin: germline.
Comment: This sequence change replaces valine, which is neutral and non-polar, with isoleucine, which is neutral and non-polar, at codon 658 of the PCDH12 protein (p.Val658Ile). This variant is present in population databases (rs150358276, gnomAD 0.04%). This variant has not been reported in the literature in individuals affected with PCDH12-related conditions. ClinVar contains an entry for this variant (Variation ID: 1878726). Invitae Evidence Modeling of protein sequence and biophysical properties (such as structural, functional, and spatial information, amino acid conservation, physicochemical variation, residue mobility, and thermodynamic stability) indicates that this missense variant is not expected to disrupt PCDH12 protein function with a negative predictive value of 95%. In summary, the available evidence is currently insufficient to determine the role of this variant in disease. Therefore, it has been classified as a Variant of Uncertain Significance.

Ambry Genetics
Classification: Likely benign for Inborn genetic diseases. Last evaluated: 2025-02-05. Review status: criteria provided, single submitter. Criteria: Ambry Variant Classification Scheme 2023. Collection method: clinical testing. Allele origin: germline.

GeneDx
Classification: Uncertain significance. Last evaluated: 2022-07-12. Review status: criteria provided, single submitter. Criteria: GeneDx Variant Classification Process June 2021. Collection method: clinical testing. Allele origin: germline. Affected: yes.
Comment: In silico analysis supports that this missense variant does not alter protein structure/function; Has not been previously published as pathogenic or benign to our knowledge

Revvity Omics, Revvity
Classification: Uncertain significance for Diencephalic-mesencephalic junction dysplasia syndrome 1. Last evaluated: 2021-03-30. Review status: criteria provided, single submitter. Criteria: ACMG Guidelines, 2015. Collection method: clinical testing. Allele origin: germline.

NM_016580.4(PCDH12):c.1972G>A (p.Val658Ile)

Genes: PCDH12 (protocadherin 12; minus strand), RNF14 (ring finger protein 14; plus strand). Cytogenetic location: 5q31.3.
Variant type: single nucleotide variant.
Coding change: c.1972G>A on transcript NM_016580.4 (MANE Select); coding-DNA position 1972, G replaced by A.
Protein change: p.Val658Ile; replaces valine 658 with isoleucine.
Molecular consequence: missense variant.
Genome position (GRCh38, 1-based): chr5:141,955,880, C>T on the plus strand (G>A on the coding strand, the complement: PCDH12 is on the minus strand). VCF-style: chr5-141955880-C-T. GRCh37 (hg19) VCF-style: chr5-141335445-C-T.
Other names: c.1972G>A (NM_016580.2); short protein forms V658I.
Identifiers: ClinVar variation 1878726 (VCV001878726.6), dbSNP rs150358276, ClinGen allele CA3484313.
Genomic context (GRCh38, chr5:141,955,880, plus strand): 5'-CTACTACTATCTCCAGCTCCCACTCACTCCCAATGAGGCTGCTGGCATTGGTGACATTGA[C>T]GAACAGCTGCCCCGTATGAGGGTTGAGGATGAAGAGGTGGGCTTCATTTCCACTGCGGAT-3'
Protein context (NP_057664.1, residues 648-668): ILNPHTGQLF[Val658Ile]NVTNASSLIG